The following is an entry in ClinVar:

NM_014679.5(CEP57):c.1124G>A (p.Ser375Asn)

Gene: CEP57 (centrosomal protein 57; plus strand). Cytogenetic location: 11q21.
Variant type: single nucleotide variant.
Coding change: c.1124G>A on transcript NM_014679.5 (MANE Select); coding-DNA position 1124, G replaced by A.
Protein change: p.Ser375Asn; replaces serine 375 with asparagine.
Molecular consequence: missense variant.
Genome position (GRCh38, 1-based): chr11:95,828,024, G>A. VCF-style: chr11-95828024-G-A. GRCh37 (hg19) VCF-style: chr11-95561188-G-A.
Other names: c.1043G>A, p.Ser348Asn (NM_001363604.2, NM_001440869.1, NM_001440870.1); c.1016G>A, p.Ser339Asn (NM_001440871.1); c.1007G>A, p.Ser336Asn (NM_001440872.1); c.944G>A, p.Ser315Asn (NM_001440873.1); c.938G>A, p.Ser313Asn (NM_001440874.1); c.935G>A, p.Ser312Asn (NM_001440875.1); c.929G>A, p.Ser310Asn (NM_001440876.1); c.1097G>A, p.Ser366Asn (NM_001243776.2); and 6 more; short protein forms S274N, S276N, S288N, S300N, S309N, S310N, S312N, S313N.
Identifiers: ClinVar variation 4868780 (VCV004868780.1).

ClinVar aggregate classification (germline): Uncertain significance (1 of 4 stars; one submission).

Conditions:
Inborn genetic diseases. Identifiers: MedGen C0950123, MeSH D030342.

Submission:

Ambry Genetics
Classification: Uncertain significance for Inborn genetic diseases. Last evaluated: 2026-05-27. Review status: criteria provided, single submitter. Criteria: Ambry Variant Classification Scheme 2023. Collection method: clinical testing. Allele origin: germline.
Comment: The p.S375N variant (also known as c.1124G>A), located in coding exon 9 of the CEP57 gene, results from a G to A substitution at nucleotide position 1124. The serine at codon 375 is replaced by asparagine, an amino acid with highly similar properties. This amino acid position is conserved. In addition, this alteration is predicted to be tolerated by in silico analysis. Based on the available evidence, the clinical significance of this variant remains unclear.